The following is an entry in ClinVar:

ClinVar aggregate classification (germline): Uncertain significance. Review status: criteria provided, multiple submitters, no conflicts (2 of 4 stars). 2 submissions from 2 submitters: Uncertain significance (2). Last evaluated 2024-09-30.

Allele frequency attached by ClinVar (database versions not stated): ExAC 0.00012.
gnomAD v4.1: 142 of 1,609,426 alleles (0.0088%); highest among the groups gnomAD compares: African/African-American, 0.011%; no homozygotes.

Submissions (2):

Blueprint Genetics
Classification: Uncertain significance. Last evaluated: 2024-09-30. Review status: criteria provided, single submitter. Criteria: ACMG Guidelines, 2015. Collection method: clinical testing. Allele origin: germline.

Labcorp Genetics (formerly Invitae), Labcorp
Classification: Uncertain significance. Last evaluated: 2023-03-23. Review status: criteria provided, single submitter. Criteria: Invitae Variant Classification Sherloc (09022015). Collection method: clinical testing. Allele origin: germline.
Comment: This sequence change replaces arginine, which is basic and polar, with tryptophan, which is neutral and slightly polar, at codon 123 of the PDHX protein (p.Arg123Trp). This variant is present in population databases (rs773313977, gnomAD 0.1%). This variant has not been reported in the literature in individuals affected with PDHX-related conditions. ClinVar contains an entry for this variant (Variation ID: 1979050). Advanced modeling of protein sequence and biophysical properties (such as structural, functional, and spatial information, amino acid conservation, physicochemical variation, residue mobility, and thermodynamic stability) performed at Invitae indicates that this missense variant is expected to disrupt PDHX protein function. In summary, the available evidence is currently insufficient to determine the role of this variant in disease. Therefore, it has been classified as a Variant of Uncertain Significance.

NM_003477.3(PDHX):c.367C>T (p.Arg123Trp)

Gene: PDHX (pyruvate dehydrogenase complex component X; plus strand). Cytogenetic location: 11p13.
Variant type: single nucleotide variant.
Coding change: c.367C>T on transcript NM_003477.3 (MANE Select); coding-DNA position 367, C replaced by T.
Protein change: p.Arg123Trp; replaces arginine 123 with tryptophan.
Molecular consequence: missense variant. On other transcripts: intron variant (1).
Genome position (GRCh38, 1-based): chr11:34,957,408, C>T. VCF-style: chr11-34957408-C-T. GRCh37 (hg19) VCF-style: chr11-34978955-C-T.
Other names: c.187C>T, p.Arg63Trp (NM_001135024.2); c.342+9802C>T (NM_001166158.2); short protein forms R123W, R63W.
Identifiers: ClinVar variation 1979050 (VCV001979050.4), dbSNP rs773313977, ClinGen allele CA5945852.
Genomic context (GRCh38, chr11:34,957,408, plus strand): 5'-TTTACTTCTCTACAGTTACTTCTTTTTTAAATATAGGTTGAAGAAGGAAGTAAAAATATA[C>T]GGCTAGGTTCACTAATTGGTTTGATAGTAGAAGAAGGAGAAGATTGGAAACATGTTGAAA-3'
Protein context (NP_003468.2, residues 113-133): IVVEEGSKNI[Arg123Trp]LGSLIGLIVE